The following is an entry in ClinVar:

NM_001903.5(CTNNA1):c.712A>G (p.Lys238Glu)

Gene: CTNNA1 (catenin alpha 1; plus strand). Cytogenetic location: 5q31.2.
Variant type: single nucleotide variant.
Coding change: c.712A>G on transcript NM_001903.5 (MANE Select); coding-DNA position 712, A replaced by G.
Protein change: p.Lys238Glu; replaces lysine 238 with glutamic acid.
Molecular consequence: missense variant.
Genome position (GRCh38, 1-based): chr5:138,824,653, A>G. VCF-style: chr5-138824653-A-G. GRCh37 (hg19) VCF-style: chr5-138160342-A-G.
Other names: c.712A>G, p.Lys238Glu (NM_001290307.3, NM_001323982.2, NM_001323983.1 and 3 more transcripts); c.403A>G, p.Lys135Glu (NM_001290309.3); c.343A>G, p.Lys115Glu (NM_001290310.3); short protein forms K115E, K238E, K135E.
Identifiers: ClinVar variation 935364 (VCV000935364.13), dbSNP rs774201046, ClinGen allele CA3431537.
Genomic context (GRCh38, chr5:138,824,653, plus strand): 5'-GTTCCGATCCTCTATACTGCATCCCAGGCATGCCTACAGCACCCTGATGTCGCAGCCTAT[A>G]AGGCCAACAGGGACCTGATATACAAGCAGCTGCAGCAGGCGGTCACAGGCATTTCCAATG-3'
Protein context (NP_001894.2, residues 228-248): CLQHPDVAAY[Lys238Glu]ANRDLIYKQL

ClinVar aggregate classification (germline): Uncertain significance. Review status: criteria provided, multiple submitters, no conflicts (2 of 4 stars). 2 submissions from 2 submitters: Uncertain significance (2). Last evaluated 2025-10-13.

Conditions:
Hereditary cancer-predisposing syndrome. Also called: Tumor predisposition; Hereditary neoplastic syndrome; Hereditary Cancer Syndrome; Neoplastic Syndromes, Hereditary. Identifiers: Orphanet 140162, MedGen C0027672, MeSH D009386, MONDO:0015356.

Allele frequency attached by ClinVar (database versions not stated): gnomAD exomes below 0.00001; TOPMed below 0.00001; ExAC 0.00001; gnomAD 0.00001.
gnomAD v4.1: 8 of 1,614,074 alleles (0.0005%); highest among the groups gnomAD compares: African/African-American, 0.0013%; no homozygotes.

Submissions (2):

Labcorp Genetics (formerly Invitae), Labcorp
Classification: Uncertain significance. Last evaluated: 2025-10-13. Review status: criteria provided, single submitter. Criteria: Invitae Variant Classification Sherloc (09022015). Collection method: clinical testing. Allele origin: germline.
Comment: This sequence change replaces lysine, which is basic and polar, with glutamic acid, which is acidic and polar, at codon 238 of the CTNNA1 protein (p.Lys238Glu). This variant is present in population databases (rs774201046, gnomAD 0.0009%). This variant has not been reported in the literature in individuals affected with CTNNA1-related conditions. ClinVar contains an entry for this variant (Variation ID: 935364). Invitae Evidence Modeling of protein sequence and biophysical properties (such as structural, functional, and spatial information, amino acid conservation, physicochemical variation, residue mobility, and thermodynamic stability) indicates that this missense variant is not expected to disrupt CTNNA1 protein function with a negative predictive value of 80%. In summary, the available evidence is currently insufficient to determine the role of this variant in disease. Therefore, it has been classified as a Variant of Uncertain Significance.

Ambry Genetics
Classification: Uncertain significance for Hereditary cancer-predisposing syndrome. Last evaluated: 2025-02-11. Review status: criteria provided, single submitter. Criteria: Ambry Variant Classification Scheme 2023. Collection method: clinical testing. Allele origin: germline.
Comment: The p.K238E variant (also known as c.712A>G), located in coding exon 5 of the CTNNA1 gene, results from an A to G substitution at nucleotide position 712. The lysine at codon 238 is replaced by glutamic acid, an amino acid with similar properties. This amino acid position is highly conserved in available vertebrate species. In addition, the in silico prediction for this alteration is inconclusive. The evidence for this gene-disease relationship is limited; therefore, the clinical significance of this alteration is unclear.